The following is an entry in ClinVar:

NM_024312.5(GNPTAB):c.3487_3490del (p.Gln1162_Thr1163insTer)

Gene: GNPTAB (N-acetylglucosamine-1-phosphate transferase subunits alpha and beta; minus strand). Cytogenetic location: 12q23.2.
Variant type: Deletion.
Coding change: c.3487_3490del on transcript NM_024312.5 (MANE Select); coding-DNA positions 3487 to 3490, 4 bases deleted (ACAG; older notation c.3487_3490delACAG).
Protein change: p.Gln1162_Thr1163insTer.
Molecular consequence: nonsense.
Genome position (GRCh38, 1-based): chr12:101,753,484-101,753,487, CTGT deleted on the plus strand (ACAG on the coding strand, the reverse complement: GNPTAB is on the minus strand); deleting any 4 consecutive bases within chr12:101,753,484-101,753,490 gives the same sequence; the c. name uses the placement nearest the transcript's 3' end. VCF-style (leftmost placement, unchanged base first): chr12-101753483-ACTGT-A. GRCh37 (hg19) VCF-style: chr12-102147261-ACTGT-A.
Identifiers: ClinVar variation 39076 (VCV000039076.5), dbSNP rs281865020, ClinGen allele CA343403.

ClinVar aggregate classification (germline): Pathogenic. Review status: criteria provided, multiple submitters, no conflicts (2 of 4 stars). 3 submissions from 3 submitters: Pathogenic (2). 1 of the submissions does not count toward it. Last evaluated 2026-02-12.

Conditions:
GNPTAB-mucolipidosis. Also called: UDP-N-acetylglucosamine-1-phosphotransferase subunit alpha/beta deficiency. Identifiers: MedGen CN322573, MONDO:0100122.
Paediatric disorders.
Mucolipidosis type II. Also called: Mucolipidosis 2; ML 2; Inclusion cell disease; Leroy Disease; N-acetylglucosamine 1phosphotransferase deficiency; ML disorder type 2. Identifiers: Orphanet 576, MedGen C2673377, MONDO:0009650, OMIM 252500.

Submissions (3):

North West Genomic Laboratory Hub, Manchester University NHS Foundation Trust
Classification: Pathogenic for Paediatric disorders. Last evaluated: 2026-02-12. Review status: criteria provided, single submitter. Criteria: ACGS Best Practice Guidelines for Variant Classification in Rare Disease 2024. Collection method: clinical testing. Allele origin: germline. Affected: yes.
Comment: PM3_Mod PVS1_VStr PM2_Mod

Myriad Genetics, Inc.
Classification: Pathogenic for GNPTAB-mucolipidosis. Last evaluated: 2025-09-26. Review status: criteria provided, single submitter. Criteria: Myriad Autosomal Dominant, Autosomal Recessive and X-Linked Classification Criteria (2023). Collection method: clinical testing. Allele origin: unknown.
Comment: NM_024312.4(GNPTAB):c.3487_3490delACAG(T1163*) is a nonsense variant classified as pathogenic in the context of GNPTAB-related disorders. T1163* has been observed in cases with relevant disease (PMID: 19634183). Relevant functional assessments of this variant are not available in the literature. T1163* has been observed in referenced population frequency databases. In summary, NM_024312.4(GNPTAB):c.3487_3490delACAG(T1163*) is a nonsense variant that has been observed more frequently in cases with the relevant disease than in healthy populations. Please note: this variant was assessed in the context of healthy population screening.

GeneReviews
No classification provided. Condition: Mucolipidosis type II. Review status: no classification provided. Collection method: literature only. Allele origin: unknown. Not counted in ClinVar's aggregate classification.

Literature cited by the submitters: PubMed 19634183 (cited by Myriad Genetics, Inc. and GeneReviews); PubMed 20301728 (cited by GeneReviews); NCBI Bookshelf NBK1828 (cited by GeneReviews).